The following is an entry in ClinVar:

NM_000346.4(SOX9):c.226G>T (p.Ala76Ser)

Genes: SOX9 (SRY-box transcription factor 9; plus strand), LOC108021846 (SOX9 promoter region; plus strand). Cytogenetic location: 17q24.3.
Variant type: single nucleotide variant.
Coding change: c.226G>T on transcript NM_000346.4 (MANE Select); coding-DNA position 226, G replaced by T.
Protein change: p.Ala76Ser; replaces alanine 76 with serine.
Molecular consequence: missense variant.
Genome position (GRCh38, 1-based): chr17:72,121,617, G>T. VCF-style: chr17-72121617-G-T. GRCh37 (hg19) VCF-style: chr17-70117758-G-T.
Other names: short protein forms A76S.
Identifiers: ClinVar variation 1706148 (VCV001706148.2), dbSNP rs2143238700, ClinGen allele CA400865798.
Genomic context (GRCh38, chr17:72,121,617, plus strand): 5'-GGCGAGCCCGATCTGAAGAAGGAGAGCGAGGAGGACAAGTTCCCCGTGTGCATCCGCGAG[G>T]CGGTCAGCCAGGTGCTCAAAGGCTACGACTGGACGCTGGTGCCCATGCCGGTGCGCGTCA-3'
Protein context (NP_000337.1, residues 66-86): EDKFPVCIRE[Ala76Ser]VSQVLKGYDW

ClinVar aggregate classification (germline): Uncertain significance (1 of 4 stars; one submission).

Submission:

GeneDx
Classification: Uncertain significance. Last evaluated: 2022-03-14. Review status: criteria provided, single submitter. Criteria: GeneDx Variant Classification Process June 2021. Collection method: clinical testing. Allele origin: germline. Affected: yes.
Comment: Not observed at significant frequency in large population cohorts (gnomAD); In silico analysis supports that this missense variant has a deleterious effect on protein structure/function; Has not been previously published as pathogenic or benign to our knowledge